The following is an entry in ClinVar:

ClinVar aggregate classification (germline): Uncertain significance (1 of 4 stars; one submission).

Conditions:
Spastic paraplegia. Identifiers: MedGen C0037772, HP:0001258.

gnomAD v4.1: 7 of 1,613,752 alleles (0.00043%); highest among the groups gnomAD compares: African/African-American, 0.0027%; no homozygotes.

Submission:

Labcorp Genetics (formerly Invitae), Labcorp
Classification: Uncertain significance for Spastic paraplegia. Last evaluated: 2022-03-20. Review status: criteria provided, single submitter. Criteria: Invitae Variant Classification Sherloc (09022015). Collection method: clinical testing. Allele origin: germline.
Comment: Algorithms developed to predict the effect of missense changes on protein structure and function (SIFT, PolyPhen-2, Align-GVGD) all suggest that this variant is likely to be tolerated. This sequence change replaces alanine, which is neutral and non-polar, with proline, which is neutral and non-polar, at codon 474 of the GBA2 protein (p.Ala474Pro). This variant is not present in population databases (gnomAD no frequency). This variant has not been reported in the literature in individuals affected with GBA2-related conditions. In summary, the available evidence is currently insufficient to determine the role of this variant in disease. Therefore, it has been classified as a Variant of Uncertain Significance.

NM_020944.3(GBA2):c.1420G>C (p.Ala474Pro)

Gene: GBA2 (glucosylceramidase beta 2; minus strand). Cytogenetic location: 9p13.3.
Variant type: single nucleotide variant.
Coding change: c.1420G>C on transcript NM_020944.3 (MANE Select); coding-DNA position 1420, G replaced by C.
Protein change: p.Ala474Pro; replaces alanine 474 with proline.
Molecular consequence: missense variant.
Genome position (GRCh38, 1-based): chr9:35,739,790, C>G on the plus strand (G>C on the coding strand, the complement: GBA2 is on the minus strand). VCF-style: chr9-35739790-C-G. GRCh37 (hg19) VCF-style: chr9-35739787-C-G.
Other names: c.1420G>C, p.Ala474Pro (NM_001330660.2); short protein forms A474P.
Identifiers: ClinVar variation 2086253 (VCV002086253.4), dbSNP rs147443644, ClinGen allele CA192759933.